The following is an entry in ClinVar:

NM_001942.4(DSG1):c.2210G>A (p.Ser737Asn)

Genes: DSG1 (desmoglein 1; plus strand), DSG1-AS1 (DSG1 antisense RNA 1; minus strand), LOC126862720 (MED14-independent group 3 enhancer GRCh37_chr18:28933613-28934812; plus strand). Cytogenetic location: 18q12.1.
Variant type: single nucleotide variant.
Coding change: c.2210G>A on transcript NM_001942.4 (MANE Select); coding-DNA position 2210, G replaced by A.
Protein change: p.Ser737Asn; replaces serine 737 with asparagine.
Molecular consequence: missense variant. On other transcripts: non-coding transcript variant (1).
Genome position (GRCh38, 1-based): chr18:31,354,406, G>A. VCF-style: chr18-31354406-G-A. GRCh37 (hg19) VCF-style: chr18-28934369-G-A.
Other names: short protein forms S737N.
Identifiers: ClinVar variation 3693184 (VCV003693184.2).

ClinVar aggregate classification (germline): Uncertain significance (1 of 4 stars; one submission).

gnomAD v4.1: 1 of 1,614,204 alleles (0.000062%); highest among the groups gnomAD compares: Admixed American, 0.0017%; no homozygotes.

Submission:

Labcorp Genetics (formerly Invitae), Labcorp
Classification: Uncertain significance. Last evaluated: 2024-04-02. Review status: criteria provided, single submitter. Criteria: Invitae Variant Classification Sherloc (09022015). Collection method: clinical testing. Allele origin: germline.
Comment: This sequence change replaces serine, which is neutral and polar, with asparagine, which is neutral and polar, at codon 737 of the DSG1 protein (p.Ser737Asn). This variant is present in population databases (no rsID available, gnomAD 0.003%). This variant has not been reported in the literature in individuals affected with DSG1-related conditions. Advanced modeling of protein sequence and biophysical properties (such as structural, functional, and spatial information, amino acid conservation, physicochemical variation, residue mobility, and thermodynamic stability) performed at Invitae indicates that this missense variant is not expected to disrupt DSG1 protein function with a negative predictive value of 80%. In summary, the available evidence is currently insufficient to determine the role of this variant in disease. Therefore, it has been classified as a Variant of Uncertain Significance.